The following is an entry in ClinVar:

NM_001321571.2(CAMK2D):c.276-6T>G

Gene: CAMK2D (calcium/calmodulin dependent protein kinase II delta; minus strand). Cytogenetic location: 4q26.
Variant type: single nucleotide variant.
Coding change: c.276-6T>G on transcript NM_001321571.2 (MANE Select); 6 bases into the intron before coding-DNA position 276, T replaced by G.
Molecular consequence: intron variant.
Genome position (GRCh38, 1-based): chr4:113,552,102, A>C on the plus strand (T>G on the coding strand, the complement: CAMK2D is on the minus strand). VCF-style: chr4-113552102-A-C. GRCh37 (hg19) VCF-style: chr4-114473258-A-C.
Other names: c.-240-6T>G (NM_001321578.2); c.276-6T>G (NM_001321577.2, NM_001399855.1, NM_001399858.1 and 33 more transcripts); c.-185-6T>G (NM_001399864.1, NM_001399863.1); c.159-6T>G (NM_001399861.1, NM_001399862.1, NM_001399860.1 and 2 more transcripts); c.-313-6T>G (NM_001399865.1, NM_001321585.2).
Identifiers: ClinVar variation 3898440 (VCV003898440.7).

ClinVar aggregate classification (germline): Likely benign (1 of 4 stars; one submission).

gnomAD v4.1: 98 of 1,532,742 alleles (0.0064%); highest among the groups gnomAD compares: Non-Finnish European, 0.0078%; no homozygotes.

Submission:

CeGaT Center for Human Genetics Tuebingen
Classification: Likely benign. Last evaluated: 2025-04-01. Review status: criteria provided, single submitter. Criteria: CeGaT Center For Human Genetics Tuebingen Variant Classification Criteria Version 2. Collection method: clinical testing. Allele origin: germline. Affected: yes. Observed: 1 variant allele.
Comment: CAMK2D: BP4